The following is an entry in ClinVar:

ClinVar aggregate classification (germline): Uncertain significance. Review status: criteria provided, multiple submitters, no conflicts (2 of 4 stars). 2 submissions from 2 submitters: Uncertain significance (2). Last evaluated 2024-06-18.

Conditions:
Inborn genetic diseases. Identifiers: MedGen C0950123, MeSH D030342.
TP63-Related Spectrum Disorders.

Allele frequency attached by ClinVar (database versions not stated): gnomAD 0.00001; TOPMed 0.00003.
gnomAD v4.1: 34 of 1,613,888 alleles (0.0021%); highest among the groups gnomAD compares: Middle Eastern, 0.033%; no homozygotes.

Submissions (2):

Labcorp Genetics (formerly Invitae), Labcorp
Classification: Uncertain significance. Last evaluated: 2024-06-18. Review status: criteria provided, single submitter. Criteria: Invitae Variant Classification Sherloc (09022015). Collection method: clinical testing. Allele origin: germline.
Comment: This sequence change replaces proline, which is neutral and non-polar, with serine, which is neutral and polar, at codon 289 of the TP63 protein (p.Pro289Ser). This variant is present in population databases (rs757045273, gnomAD 0.03%). This variant has not been reported in the literature in individuals affected with TP63-related conditions. ClinVar contains an entry for this variant (Variation ID: 1955396). Advanced modeling of protein sequence and biophysical properties (such as structural, functional, and spatial information, amino acid conservation, physicochemical variation, residue mobility, and thermodynamic stability) performed at Invitae indicates that this missense variant is expected to disrupt TP63 protein function with a positive predictive value of 80%. In summary, the available evidence is currently insufficient to determine the role of this variant in disease. Therefore, it has been classified as a Variant of Uncertain Significance.

Ambry Genetics
Classification: Uncertain significance for Inborn genetic diseases. Last evaluated: 2021-09-16. Review status: criteria provided, single submitter. Criteria: Ambry Variant Classification Scheme 2023. Collection method: clinical testing. Allele origin: germline.

NM_003722.5(TP63):c.865C>T (p.Pro289Ser)

Gene: TP63 (tumor protein p63; plus strand). Cytogenetic location: 3q28.
Variant type: single nucleotide variant.
Coding change: c.865C>T on transcript NM_003722.5 (MANE Select); coding-DNA position 865, C replaced by T.
Protein change: p.Pro289Ser; replaces proline 289 with serine.
Molecular consequence: missense variant.
Genome position (GRCh38, 1-based): chr3:189,866,780, C>T. VCF-style: chr3-189866780-C-T. GRCh37 (hg19) VCF-style: chr3-189584569-C-T.
Other names: c.865C>T, p.Pro289Ser (NM_001114978.2, NM_001114979.2, NM_001329144.2 and 1 more transcripts); c.583C>T, p.Pro195Ser (NM_001114980.2, NM_001114981.2, NM_001114982.2 and 2 more transcripts); c.328C>T, p.Pro110Ser (NM_001329146.2, NM_001329150.2); c.859C>T, p.Pro287Ser (NM_001329964.2); short protein forms P287S, P110S, P195S, P289S.
Identifiers: ClinVar variation 1955396 (VCV001955396.5), dbSNP rs757045273, ClinGen allele CA89744630.